The following is an entry in ClinVar:

ClinVar aggregate classification (germline): Uncertain significance (1 of 4 stars; one submission).

Submission:

Greenwood Genetic Center Diagnostic Laboratories, Greenwood Genetic Center
Classification: Uncertain significance. Last evaluated: 2022-01-25. Review status: criteria provided, single submitter. Criteria: ACMG Guidelines, 2015. Collection method: clinical testing. Allele origin: germline. Affected: yes.
Comment: PM2

NM_018026.4(PACS1):c.2381C>G (p.Ala794Gly)

Gene: PACS1 (phosphofurin acidic cluster sorting protein 1; plus strand). Cytogenetic location: 11q13.2.
Variant type: single nucleotide variant.
Coding change: c.2381C>G on transcript NM_018026.4 (MANE Select); coding-DNA position 2381, C replaced by G.
Protein change: p.Ala794Gly; replaces alanine 794 with glycine.
Molecular consequence: missense variant.
Genome position (GRCh38, 1-based): chr11:66,239,229, C>G. VCF-style: chr11-66239229-C-G. GRCh37 (hg19) VCF-style: chr11-66006700-C-G.
Other names: short protein forms A794G.
Identifiers: ClinVar variation 1676552 (VCV001676552.3), dbSNP rs2134748864, ClinGen allele CA381380249.